The following is an entry in ClinVar:

ClinVar aggregate classification (germline): Likely benign (1 of 4 stars; one submission).

Conditions:
VPS13B-related disorder. Also called: VPS13B-related condition.

Submission:

PreventionGenetics, part of Exact Sciences
Classification: Likely benign for VPS13B-related condition. Last evaluated: 2025-01-08. Review status: criteria provided, single submitter. Criteria: ACMG Guidelines, 2015. Collection method: clinical testing. Allele origin: germline.
Comment: This variant is classified as likely benign based on ACMG/AMP sequence variant interpretation guidelines (Richards et al. 2015 PMID: 25741868, with internal and published modifications).

NM_152564.5(VPS13B):c.11452C>T (p.Leu3818=)

Gene: VPS13B (vacuolar protein sorting 13 homolog B; plus strand). Cytogenetic location: 8q22.2.
Variant type: single nucleotide variant.
Coding change: c.11452C>T on transcript NM_152564.5 (MANE Select); coding-DNA position 11452, C replaced by T.
Protein change: p.Leu3818=; no amino-acid change (leucine 3818 retained).
Molecular consequence: synonymous variant.
Genome position (GRCh38, 1-based): chr8:99,870,844, C>T. VCF-style: chr8-99870844-C-T. GRCh37 (hg19) VCF-style: chr8-100883072-C-T.
Other names: c.11527C>T, p.Leu3843= (NM_017890.5).
Identifiers: ClinVar variation 4999591 (VCV004999591.1).